The following is an entry in ClinVar:

ClinVar aggregate classification (germline): Likely benign. Review status: criteria provided, multiple submitters, no conflicts (2 of 4 stars). 4 submissions from 4 submitters: Likely benign (3). 1 of the submissions does not count toward it. Last evaluated 2026-01-23.

Conditions:
HYOU1-related disorder. Also called: HYOU1-related condition.

Allele frequency attached by ClinVar (database versions not stated): ESP Exome Variant Server 0.00031; TOPMed 0.00063; gnomAD exomes 0.00067 and 0.00068; ExAC 0.00075; gnomAD 0.00076 and 0.00091.
gnomAD v4.1: 1,117 of 1,613,520 alleles (0.069%); highest among the groups gnomAD compares: Non-Finnish European, 0.083%; 3 homozygotes.

Submissions (4):

Labcorp Genetics (formerly Invitae), Labcorp
Classification: Likely benign. Last evaluated: 2026-01-23. Review status: criteria provided, single submitter. Criteria: Invitae Variant Classification Sherloc (09022015). Collection method: clinical testing. Allele origin: germline.

Blueprint Genetics
Classification: Likely benign. Last evaluated: 2024-11-20. Review status: criteria provided, single submitter. Criteria: ACMG Guidelines, 2015. Collection method: clinical testing. Allele origin: germline.

CeGaT Center for Human Genetics Tuebingen
Classification: Likely benign. Last evaluated: 2024-08-01. Review status: criteria provided, single submitter. Criteria: CeGaT Center For Human Genetics Tuebingen Variant Classification Criteria Version 2. Collection method: clinical testing. Allele origin: germline. Affected: yes. Observed: 1 variant allele.
Comment: HYOU1: BP4, BP7

PreventionGenetics, part of Exact Sciences
Classification: Likely benign for HYOU1-related condition. Last evaluated: 2020-02-14. Review status: no assertion criteria provided. Collection method: clinical testing. Allele origin: germline. Not counted in ClinVar's aggregate classification.
Comment: This variant is classified as likely benign based on ACMG/AMP sequence variant interpretation guidelines (Richards et al. 2015 PMID: 25741868, with internal and published modifications).

NM_006389.5(HYOU1):c.2181A>T (p.Thr727=)

Gene: HYOU1 (hypoxia up-regulated 1; minus strand). Cytogenetic location: 11q23.3.
Variant type: single nucleotide variant.
Coding change: c.2181A>T on transcript NM_006389.5 (MANE Select); coding-DNA position 2181, A replaced by T.
Protein change: p.Thr727=; no amino-acid change (threonine 727 retained).
Molecular consequence: synonymous variant.
Genome position (GRCh38, 1-based): chr11:119,048,548, T>A on the plus strand (A>T on the coding strand, the complement: HYOU1 is on the minus strand). VCF-style: chr11-119048548-T-A. GRCh37 (hg19) VCF-style: chr11-118919260-T-A.
Other names: c.2181A>T, p.Thr727= (NM_001130991.3); c.2181A>T (NM_006389.4).
Identifiers: ClinVar variation 730491 (VCV000730491.26), dbSNP rs143389635, ClinGen allele CA229618948.
Genomic context (GRCh38, chr11:119,048,548, plus strand): 5'-TATGAATGCTTCCAAGCTGTTGGCAGCTTTTTCCCGTTCCTGCTTCTCCAGGTCTCGGAG[T>A]GTCAAGTCCTGAAGTCTATGGGACAAAGGAGGGGTAGGGATGAGGGAGAGGGCAAGTGAG-3'
Protein context (NP_006380.1, residues 717-737): AQSVQKLQDL[Thr727=]LRDLEKQERE